The following is an entry in ClinVar:

NM_024529.5(CDC73):c.1202_1207del (p.Asn401_Glu402del)

Gene: CDC73 (cell division cycle 73; plus strand). Cytogenetic location: 1q31.2.
Variant type: Deletion.
Coding change: c.1202_1207del on transcript NM_024529.5 (MANE Select); coding-DNA positions 1202 to 1207, 6 bases deleted (ATGAAA; older notation c.1202_1207delATGAAA).
Protein change: p.Asn401_Glu402del.
Molecular consequence: inframe deletion.
Genome position (GRCh38, 1-based): chr1:193,233,040-193,233,045, ATGAAA deleted; deleting any 6 consecutive bases within chr1:193,233,036-193,233,045 gives the same sequence; the c. name uses the placement nearest the transcript's 3' end. VCF-style (leftmost placement, unchanged base first): chr1-193233035-AGAAAAT-A. GRCh37 (hg19) VCF-style: chr1-193202165-AGAAAAT-A.
Identifiers: ClinVar variation 2835971 (VCV002835971.3), dbSNP rs2527493880, ClinGen allele CA2739275507.

ClinVar aggregate classification (germline): Uncertain significance (1 of 4 stars; one submission).

Conditions:
Parathyroid carcinoma (PRTC). Also called: CDC73-Related Parathyroid Carcinoma; Parathyroid gland carcinoma. Identifiers: Orphanet 143, MedGen C0687150, MONDO:0012004, OMIM 608266, HP:0006780.

Submission:

Labcorp Genetics (formerly Invitae), Labcorp
Classification: Uncertain significance for Parathyroid carcinoma. Last evaluated: 2023-02-10. Review status: criteria provided, single submitter. Criteria: Invitae Variant Classification Sherloc (09022015). Collection method: clinical testing. Allele origin: germline.
Comment: This variant, c.1202_1207del, results in the deletion of 2 amino acid(s) of the CDC73 protein (p.Asn401_Glu402del), but otherwise preserves the integrity of the reading frame. This variant is not present in population databases (gnomAD no frequency). This variant has not been reported in the literature in individuals affected with CDC73-related conditions. Experimental studies and prediction algorithms are not available or were not evaluated, and the functional significance of this variant is currently unknown. In summary, the available evidence is currently insufficient to determine the role of this variant in disease. Therefore, it has been classified as a Variant of Uncertain Significance.